The following is an entry in ClinVar:

ClinVar aggregate classification (germline): Uncertain significance (1 of 4 stars; one submission).

Conditions:
RNU6ATAC spectrum disorder.

Submission:

Undiagnosed Diseases Network, NIH
Classification: Uncertain significance for RNU6ATAC spectrum disorder. Last evaluated: 2026-01-08. Review status: criteria provided, single submitter. Criteria: ACMG Guidelines, 2015. Collection method: clinical testing. Allele origin: maternal. Inheritance: Autosomal recessive inheritance. Affected: yes. Observed: 1 variant allele, 1 compound heterozygote. Study: Undiagnosed Diseases Network (NIH), UDN.
Comment: The heterozygous n.28C>T variant in RNU6ATAC was identified in the compound heterozygous state along with the n.36T>G variant in one individual with RNU6ATAC spectrum disorder (PMID: 39802771). This variant has been observed in 0.0078% (12/ 152036) of chromosomes by the Genome Aggregation Database (gnomAD; dbSNP rs567929925). Although this variant has been seen in the general population in a heterozygous state, its frequency is low enough to be consistent with a recessive carrier frequency. This variant has not been previously reported in ClinVar. RNAseq analysis performed on affected tissue shows a signature of significant minor intron retention events in minor intron-containing genes (MIGs) (PMID: 39802771). However, these types of assays may not accurately represent biological function. The n.28C>T variant participates in base pairing within the Stem I region of U4atac that is crucial for splicing and is predicted to impact function (PMID: 39802771, PMID: 26522830).

Literature cited by the submitters: PubMed 39802771; PubMed 26522830.

NR_023344.2(RNU6ATAC):n.28C>T

Gene: RNU6ATAC (RNA, U6atac small nuclear; minus strand). Cytogenetic location: 9q34.2.
Variant type: single nucleotide variant.
Molecular consequence: non-coding transcript variant (on NR_023344.2).
Genome position: GRCh38 VCF-style: chr9-134164537-G-A. GRCh37 (hg19) VCF-style: chr9-137029659-G-A.
Identifiers: ClinVar variation 4683134 (VCV004683134.1).
Genomic context (GRCh38, chr9:134,164,537, plus strand): 5'-GCCTTAACCGTATGCGTGTTGTCAGGCCCGAGGGCCTCTTCCATCCTTGTCAAGGGGAGT[G>A]CTAACCTTCTCTCCTTTCATACAACACGCCTCGGCTTCCCTGCGCACTTTATTTAAGGAC-3'